The following is an entry in ClinVar:

NM_004370.6(COL12A1):c.5202T>A (p.Ser1734Arg)

Gene: COL12A1 (collagen type XII alpha 1 chain; minus strand). Cytogenetic location: 6q13.
Variant type: single nucleotide variant.
Coding change: c.5202T>A on transcript NM_004370.6 (MANE Select); coding-DNA position 5202, T replaced by A.
Protein change: p.Ser1734Arg; replaces serine 1734 with arginine.
Molecular consequence: missense variant.
Genome position (GRCh38, 1-based): chr6:75,138,476, A>T on the plus strand (T>A on the coding strand, the complement: COL12A1 is on the minus strand). VCF-style: chr6-75138476-A-T. GRCh37 (hg19) VCF-style: chr6-75848192-A-T.
Other names: c.1710T>A, p.Ser570Arg (NM_080645.3); short protein forms S1734R, S570R.
Identifiers: ClinVar variation 1355853 (VCV001355853.8), dbSNP rs377226722, ClinGen allele CA3893232.
Genomic context (GRCh38, chr6:75,138,476, plus strand): 5'-ATCAATGTCCTATTTGAAAGCTAAACACCTACGTGTGCGCTCACTGCCAATCAGGTCATC[A>T]CTTTCTGACTCATCAGGATAGATGGCAGTAATGGAAACTTCATAGATGGTGTTGGGGTTC-3'
Protein context (NP_004361.3, residues 1724-1744): ITAIYPDESE[Ser1734Arg]DDLIGSERTL

ClinVar aggregate classification (germline): Uncertain significance. Review status: criteria provided, multiple submitters, no conflicts (2 of 4 stars). 3 submissions from 3 submitters: Uncertain significance (3). Last evaluated 2026-01-11.

Conditions:
Inborn genetic diseases. Identifiers: MedGen C0950123, MeSH D030342.
Ullrich congenital muscular dystrophy 2 (UCMD2). Identifiers: Orphanet 75840, MedGen C4225314, MONDO:0014654, OMIM 616470.
Bethlem myopathy 2 (BTHLM2). Identifiers: Orphanet 536516, Orphanet 610, MedGen C4225313, MONDO:0034022, OMIM 616471.

Allele frequency attached by ClinVar (database versions not stated): gnomAD exomes 0.00001 and below 0.00001; gnomAD 0.00001; ESP Exome Variant Server 0.00008; ExAC 0.00001; TOPMed 0.00002.

Submissions (3):

Labcorp Genetics (formerly Invitae), Labcorp
Classification: Uncertain significance for Bethlem myopathy 2; Ullrich congenital muscular dystrophy 2. Last evaluated: 2026-01-11. Review status: criteria provided, single submitter. Criteria: Invitae Variant Classification Sherloc (09022015). Collection method: clinical testing. Allele origin: germline.
Comment: This sequence change replaces serine, which is neutral and polar, with arginine, which is basic and polar, at codon 1734 of the COL12A1 protein (p.Ser1734Arg). This variant is present in population databases (rs377226722, gnomAD 0.003%). This variant has not been reported in the literature in individuals affected with COL12A1-related conditions. ClinVar contains an entry for this variant (Variation ID: 1355853). Invitae Evidence Modeling of protein sequence and biophysical properties (such as structural, functional, and spatial information, amino acid conservation, physicochemical variation, residue mobility, and thermodynamic stability) has been performed for this missense variant. However, the output from this modeling did not meet the statistical confidence thresholds required to predict the impact of this variant on COL12A1 protein function. In summary, the available evidence is currently insufficient to determine the role of this variant in disease. Therefore, it has been classified as a Variant of Uncertain Significance.

Ambry Genetics
Classification: Uncertain significance for Inborn genetic diseases. Last evaluated: 2025-07-13. Review status: criteria provided, single submitter. Criteria: Ambry Variant Classification Scheme 2023. Collection method: clinical testing. Allele origin: germline.

Fulgent Genetics
Classification: Uncertain significance for Ullrich congenital muscular dystrophy 2; Bethlem myopathy 2. Last evaluated: 2021-08-06. Review status: criteria provided, single submitter. Criteria: ACMG Guidelines, 2015. Collection method: clinical testing. Allele origin: unknown.